The following is an entry in ClinVar:

NM_017986.4(SLC52A1):c.1142_1153del

Gene: SLC52A1 (solute carrier family 52 member 1; minus strand). Cytogenetic location: 17p13.2.
Variant type: Deletion.
Coding change: c.1142_1153del on transcript NM_017986.4 (MANE Select); coding-DNA positions 1142 to 1153, 12 bases deleted (CGTGGGTGCTGT).
Molecular consequence: splice acceptor variant.
Genome position (GRCh38, 1-based): chr17:5,033,151-5,033,162, ACAGCACCCACG deleted on the plus strand (CGTGGGTGCTGT on the coding strand, the reverse complement: SLC52A1 is on the minus strand); deleting any 12 consecutive bases within chr17:5,033,151-5,033,170 gives the same sequence; the c. name uses the placement nearest the transcript's 3' end. VCF-style (leftmost placement, unchanged base first): chr17-5033150-CACAGCACCCACG-C. GRCh37 (hg19) VCF-style: chr17-4936445-CACAGCACCCACG-C.
Identifiers: ClinVar variation 1698839 (VCV001698839.4), dbSNP rs747792931, ClinGen allele CA8319606.

ClinVar aggregate classification (germline): Uncertain significance. Review status: criteria provided, multiple submitters, no conflicts (2 of 4 stars). 2 submissions from 2 submitters: Uncertain significance (2). Last evaluated 2025-10-02.

Conditions:
Vitamin B2 deficiency. Identifiers: MedGen C0035528.
Ariboflavinosis. Identifiers: MedGen C5779638, MONDO:0004573, OMIM 615026.

Submissions (2):

Labcorp Genetics (formerly Invitae), Labcorp
Classification: Uncertain significance for Vitamin B2 deficiency. Last evaluated: 2025-10-02. Review status: criteria provided, single submitter. Criteria: Invitae Variant Classification Sherloc (09022015). Collection method: clinical testing. Allele origin: germline.
Comment: This variant, c.1142_1153del, results in the deletion of 4 amino acid(s) of the SLC52A1 protein (p.Ser381_Leu384del), but otherwise preserves the integrity of the reading frame. This variant is present in population databases (rs747792931, gnomAD 0.008%). This variant has not been reported in the literature in individuals affected with SLC52A1-related conditions. ClinVar contains an entry for this variant (Variation ID: 1698839). Experimental studies and prediction algorithms are not available or were not evaluated, and the functional significance of this variant is currently unknown. In summary, the available evidence is currently insufficient to determine the role of this variant in disease. Therefore, it has been classified as a Variant of Uncertain Significance.

Genetics and Molecular Pathology, SA Pathology
Classification: Uncertain significance for Ariboflavinosis. Last evaluated: 2021-05-11. Review status: criteria provided, single submitter. Criteria: ACMG Guidelines, 2015. Collection method: clinical testing. Allele origin: germline. Inheritance: Autosomal dominant inheritance. Affected: yes.